The following is an entry in ClinVar:

NM_000038.6(APC):c.8508G>T (p.Gly2836=)

Gene: APC (APC regulator of Wnt signaling pathway; plus strand). Cytogenetic location: 5q22.2.
Variant type: single nucleotide variant.
Coding change: c.8508G>T on transcript NM_000038.6 (MANE Select); coding-DNA position 8508, G replaced by T.
Protein change: p.Gly2836=; no amino-acid change (glycine 2836 retained).
Molecular consequence: synonymous variant.
Genome position (GRCh38, 1-based): chr5:112,844,102, G>T. VCF-style: chr5-112844102-G-T. GRCh37 (hg19) VCF-style: chr5-112179799-G-T.
Other names: c.8508G>T, p.Gly2836= (NM_001127510.3, NM_001354895.2); c.8454G>T, p.Gly2818= (NM_001127511.3); c.8562G>T, p.Gly2854= (NM_001354896.2); c.8538G>T, p.Gly2846= (NM_001354897.2); c.8433G>T, p.Gly2811= (NM_001354898.2); c.8424G>T, p.Gly2808= (NM_001354899.2); c.8385G>T, p.Gly2795= (NM_001354900.2); c.8331G>T, p.Gly2777= (NM_001354901.2); and 5 more.
Identifiers: ClinVar variation 236659 (VCV000236659.18), dbSNP rs878853479, ClinGen allele CA10582347.
Genomic context (GRCh38, chr5:112,844,102, plus strand): 5'-AGATTCCAAAACTGACAGCACAGAATCCAGTGGAACCCAAAGTCCTAAGCGCCATTCTGG[G>T]TCTTACCTTGTGACATCTGTTTAAAAGAGAGGAAGAATGAAACTAAGAAAATTCTATGTT-3'
Protein context (NP_000029.2, residues 2826-2843): SGTQSPKRHS[Gly2836=]SYLVTSV

ClinVar aggregate classification (germline): Benign/Likely benign. Review status: criteria provided, multiple submitters, no conflicts (2 of 4 stars). 4 submissions from 4 submitters: Benign (1); Likely benign (3). Last evaluated 2024-12-12.

Conditions:
Hereditary cancer-predisposing syndrome. Also called: Hereditary neoplastic syndrome; Hereditary Cancer Syndrome; Neoplastic Syndromes, Hereditary; Tumor predisposition. Identifiers: Orphanet 140162, MedGen C0027672, MeSH D009386, MONDO:0015356.
Familial adenomatous polyposis 1 (FAP1). Also called: FAMILIAL ADENOMATOUS POLYPOSIS 1, ATTENUATED; POLYPOSIS, ADENOMATOUS INTESTINAL. Identifiers: MedGen C2713442, MONDO:0021056, OMIM 175100. Disease mechanism: loss of function.

Allele frequency attached by ClinVar (database versions not stated): TOPMed below 0.00001; gnomAD 0.00002.
gnomAD v4.1: 6 of 1,612,642 alleles (0.00037%); highest among the groups gnomAD compares: African/African-American, 0.004%; no homozygotes.

Submissions (4):

Labcorp Genetics (formerly Invitae), Labcorp
Classification: Likely benign for Familial adenomatous polyposis 1. Last evaluated: 2024-12-12. Review status: criteria provided, single submitter. Criteria: Invitae Variant Classification Sherloc (09022015). Collection method: clinical testing. Allele origin: germline.

Myriad Genetics, Inc.
Classification: Benign for Familial adenomatous polyposis 1. Last evaluated: 2024-04-16. Review status: criteria provided, single submitter. Criteria: Myriad Autosomal Dominant, Autosomal Recessive and X-Linked Classification Criteria (2023). Collection method: clinical testing. Allele origin: unknown.
Comment: This variant is considered benign. This variant is a silent/synonymous amino acid change and it is not expected to impact splicing.

GeneDx
Classification: Likely benign. Last evaluated: 2017-11-24. Review status: criteria provided, single submitter. Criteria: GeneDx Variant Classification (06012015). Collection method: clinical testing. Allele origin: germline. Affected: yes.
Comment: This variant is considered likely benign or benign based on one or more of the following criteria: it is a conservative change, it occurs at a poorly conserved position in the protein, it is predicted to be benign by multiple in silico algorithms, and/or has population frequency not consistent with disease.

Ambry Genetics
Classification: Likely benign for Hereditary cancer-predisposing syndrome. Last evaluated: 2016-10-27. Review status: criteria provided, single submitter. Criteria: Ambry Variant Classification Scheme 2023. Collection method: clinical testing. Allele origin: germline.